The following is an entry in ClinVar:

ClinVar aggregate classification (germline): Benign. Review status: criteria provided, multiple submitters, no conflicts (2 of 4 stars). 3 submissions from 3 submitters: Benign (2). 1 of the submissions does not count toward it. Last evaluated 2026-02-02.

Conditions:
NFATC1-related disorder. Also called: NFATC1-related condition.

Allele frequency attached by ClinVar (database versions not stated): 1000 Genomes Project 0.08207; ExAC 0.07174; gnomAD exomes 0.07189 and 0.06810; ESP Exome Variant Server 0.07166; TOPMed 0.07262; gnomAD 0.07338 and 0.07317; 1000 Genomes Project 30x 0.08214.
gnomAD v4.1: 116,174 of 1,613,698 alleles (7.2%); highest among the groups gnomAD compares: South Asian, 11%; 4,469 homozygotes.

Submissions (3):

Labcorp Genetics (formerly Invitae), Labcorp
Classification: Benign. Last evaluated: 2026-02-02. Review status: criteria provided, single submitter. Criteria: Invitae Variant Classification Sherloc (09022015). Collection method: clinical testing. Allele origin: germline.

Breakthrough Genomics
Classification: Benign. Review status: criteria provided, single submitter. Criteria: ACMG Guidelines, 2015. Collection method: not provided. Allele origin: germline. Inheritance: Unknown mechanism. Affected: yes.

PreventionGenetics, part of Exact Sciences
Classification: Benign for NFATC1-related condition. Last evaluated: 2019-11-27. Review status: no assertion criteria provided. Collection method: clinical testing. Allele origin: germline. Not counted in ClinVar's aggregate classification.
Comment: This variant is classified as benign based on ACMG/AMP sequence variant interpretation guidelines (Richards et al. 2015 PMID: 25741868, with internal and published modifications).

NM_001278669.2(NFATC1):c.1527C>T (p.Ala509=)

Gene: NFATC1 (nuclear factor of activated T cells 1; plus strand). Cytogenetic location: 18q23.
Variant type: single nucleotide variant.
Coding change: c.1527C>T on transcript NM_001278669.2 (MANE Select); coding-DNA position 1527, C replaced by T.
Protein change: p.Ala509=; no amino-acid change (alanine 509 retained).
Molecular consequence: synonymous variant.
Genome position (GRCh38, 1-based): chr18:79,448,922, C>T. VCF-style: chr18-79448922-C-T. GRCh37 (hg19) VCF-style: chr18-77208922-C-T.
Other names: c.1527C>T, p.Ala509= (NM_001278670.2, NM_006162.5, NM_172390.3); c.1488C>T, p.Ala496= (NM_001278672.2, NM_001278675.2, NM_172387.3 and 1 more transcripts); c.111C>T, p.Ala37= (NM_001278673.2, NM_172388.3); c.1527C>T (NM_001278669.1).
Identifiers: ClinVar variation 1600898 (VCV001600898.11), dbSNP rs25657, ClinGen allele CA9009229.